The following is an entry in ClinVar:

ClinVar aggregate classification (germline): Pathogenic/Likely pathogenic. Review status: criteria provided, multiple submitters, no conflicts (2 of 4 stars). 15 submissions from 15 submitters: Pathogenic (12); Likely pathogenic (1). 2 of the submissions do not count toward it. Last evaluated 2025-11-25.

Conditions:
Oculocutaneous albinism type 1A (OCA1A). Also called: Albinism, oculocutaneous, type IA. Identifiers: Orphanet 352731, Orphanet 79431, MedGen C4551504, MONDO:0008745, OMIM 203100. Disease mechanism: loss of function.
Oculocutaneous albinism type 1B (OCA1B). Also called: ALBINISM, OCULOCUTANEOUS, TYPE IB; ALBINISM, YELLOW MUTANT TYPE; YELLOW ALBINISM. Identifiers: Orphanet 352731, Orphanet 352737, Orphanet 79434, MedGen C1847024, MONDO:0011749, OMIM 606952.
SKIN/HAIR/EYE PIGMENTATION 3, LIGHT/DARK SKIN (SHEP3). Also called: SKIN/HAIR/EYE PIGMENTATION, VARIATION IN, 3; EYE COLOR 1; EYE COLOR, GREEN/BLUE; SKIN/HAIR/EYE PIGMENTATION 3, BLUE/GREEN EYE COLOR; SKIN/HAIR/EYE PIGMENTATION 3, FRECKLING. Identifiers: MedGen C2677190, OMIM 601800.
TYR-related disorder. Also called: TYR-related condition.
Oculocutaneous albinism. Identifiers: Orphanet 55, MedGen C0078918, MONDO:0018910.

Allele frequency attached by ClinVar (database versions not stated): ExAC 0.00002; gnomAD exomes 0.00004 and 0.00021; TOPMed 0.00008; gnomAD 0.00011.
gnomAD v4.1: 319 of 1,611,380 alleles (0.02%); highest among the groups gnomAD compares: Non-Finnish European, 0.026%; no homozygotes.

Submissions (15):

Labcorp Genetics (formerly Invitae), Labcorp
Classification: Pathogenic. Last evaluated: 2025-11-25. Review status: criteria provided, single submitter. Criteria: Invitae Variant Classification Sherloc (09022015). Collection method: clinical testing. Allele origin: germline.
Comment: This sequence change replaces glycine, which is neutral and non-polar, with serine, which is neutral and polar, at codon 446 of the TYR protein (p.Gly446Ser). This variant is present in population databases (rs104894317, gnomAD 0.01%). This missense change has been observed in individual(s) with albinism (PMID: 29345414). In at least one individual the data is consistent with being in trans (on the opposite chromosome) from a pathogenic variant. ClinVar contains an entry for this variant (Variation ID: 3801). Invitae Evidence Modeling of protein sequence and biophysical properties (such as structural, functional, and spatial information, amino acid conservation, physicochemical variation, residue mobility, and thermodynamic stability) indicates that this missense variant is expected to disrupt TYR protein function with a positive predictive value of 95%. For these reasons, this variant has been classified as Pathogenic.

PreventionGenetics, part of Exact Sciences
Classification: Pathogenic for TYR-related condition. Last evaluated: 2025-11-18. Review status: criteria provided, single submitter. Criteria: ACMG Guidelines, 2015. Collection method: clinical testing. Allele origin: germline.
Comment: The TYR c.1336G>A variant is predicted to result in the amino acid substitution p.Gly446Ser. This variant has been reported many times along with a second pathogenic variant in TYR in individuals with oculocutaneous albinism (see for examples Tripathi et al. 1992. PubMed ID: 1642278; King et al. 2003. PubMed ID: 13680365; Marti et al. 2018. PubMed ID: 28976636). This variant is present in 0.011% of alleles in individuals of European (Non-Finnish) descent in gnomAD. Given the evidence, we interpret this variant as pathogenic.

GeneDx
Classification: Pathogenic. Last evaluated: 2025-06-27. Review status: criteria provided, single submitter. Criteria: GeneDx Variant Classification Process June 2021. Collection method: clinical testing. Allele origin: germline. Affected: yes.
Comment: In silico analysis supports that this missense variant has a deleterious effect on protein structure/function; This variant is associated with the following publications: (PMID: 30609409, 28976636, 10987646, 1642278, 9259202, 13680365, 29345414, 31589614, 31980526, 21906913, 33808351, 18463683)

Laboratory of Genetic Epidemiology, Research Centre for Medical Genetics
Classification: Likely pathogenic for Oculocutaneous albinism type 1A; Oculocutaneous albinism type 1B. Last evaluated: 2025-01-01. Review status: criteria provided, single submitter. Criteria: ACMG Guidelines, 2015. Collection method: clinical testing. Allele origin: unknown. Inheritance: Autosomal recessive inheritance. Affected: yes. Observed: 1 heterozygote.
Comment: This variant has been previously reported in the literature (PMIDs: 28976636, 38219857) is listed in gnomAD v3.1.2 with allele frequency 0.0002 in Europe (14/67838), none in homozygous state. The affected amino acid position is evolutionarily conserved, and multiple in silico prediction tools support a deleterious effect. We assume that this variant is highly likely to be in trans-position with the likely pathogenic variant NM_000372.5:c.1037G>A, p.(Gly346Glu) in proband; therefore, based on the literature (PMID: 30311386), we apply the ACMG pathogenic criterion PM3 Supporting. Taken together, the variant meets the following ACMG/AMP criteria and can be classified as likely pathogenic with PM2, PP3, PM3, PP4 criteria.

Women's Health and Genetics/Laboratory Corporation of America, LabCorp
Classification: Pathogenic for Oculocutaneous albinism. Last evaluated: 2024-12-02. Review status: criteria provided, single submitter. Criteria: LabCorp Variant Classification Summary - May 2015. Collection method: clinical testing. Allele origin: germline.
Comment: Variant summary: TYR c.1336G>A (p.Gly446Ser) results in a non-conservative amino acid change in the encoded protein sequence. Five of five in-silico tools predict a damaging effect of the variant on protein function. The variant allele was found at a frequency of 4e-05 in 250238 control chromosomes (gnomAD). This frequency is not significantly higher than estimated for a pathogenic variant in TYR causing Oculocutaneous Albinism (4e-05 vs 0.0056), allowing no conclusion about variant significance. c.1336G>A has been reported in the literature in multiple individuals affected with Oculocutaneous Albinism (e.g. Lasseaux_2018). These data indicate that the variant is very likely to be associated with disease. The following publication has been ascertained in the context of this evaluation (PMID: 29345414). ClinVar contains an entry for this variant (Variation ID: 3801). Based on the evidence outlined above, the variant was classified as pathogenic.

Baylor Genetics
Classification: Pathogenic for SKIN/HAIR/EYE PIGMENTATION 3, LIGHT/DARK SKIN. Last evaluated: 2024-03-23. Review status: criteria provided, single submitter. Criteria: ACMG Guidelines, 2015. Collection method: clinical testing. Allele origin: unknown.

Fulgent Genetics
Classification: Pathogenic for Oculocutaneous albinism type 1A; SKIN/HAIR/EYE PIGMENTATION 3, LIGHT/DARK SKIN; Oculocutaneous albinism type 1B. Last evaluated: 2024-02-27. Review status: criteria provided, single submitter. Criteria: ACMG Guidelines, 2015. Collection method: clinical testing. Allele origin: germline.

Blueprint Genetics
Classification: Pathogenic for TYR-related disorders. Last evaluated: 2023-06-09. Review status: criteria provided, single submitter. Criteria: ACMG Guidelines, 2015. Collection method: clinical testing. Allele origin: germline. Affected: yes. Observed: 5 variant alleles.

CeGaT Center for Human Genetics Tuebingen
Classification: Pathogenic. Last evaluated: 2023-05-01. Review status: criteria provided, single submitter. Criteria: CeGaT Center For Human Genetics Tuebingen Variant Classification Criteria Version 2. Collection method: clinical testing. Allele origin: germline. Affected: yes. Observed: 1 variant allele.
Comment: TYR: PM3:Strong, PM1, PM2:Supporting, PP3, PP4, PS4:Supporting

Oxford Medical Genetics Laboratories, Oxford University Hospitals NHS Foundation Trust
Classification: Pathogenic for Oculocutaneous albinism type 1B. Last evaluated: 2023-03-23. Review status: criteria provided, single submitter. Criteria: ACMG Guidelines, 2015. Collection method: clinical testing. Allele origin: germline. Affected: yes.

Genome-Nilou Lab
Classification: Pathogenic for Oculocutaneous albinism type 1A. Last evaluated: 2021-07-22. Review status: criteria provided, single submitter. Criteria: ACMG Guidelines, 2015. Collection method: clinical testing. Allele origin: germline. Affected: no.

Laboratory for Molecular Medicine, Mass General Brigham Personalized Medicine
Classification: Pathogenic for Oculocutaneous albinism. Last evaluated: 2016-11-15. Review status: criteria provided, single submitter. Criteria: LMM Criteria. Collection method: clinical testing. Allele origin: germline. Inheritance: Autosomal recessive inheritance. Observed: 1 variant allele.
Comment: The p.Gly446Ser variant in TYR has been reported in at least 9 compound heterozy gous individuals with oculocutaneous albinism type 1 (King 2003, Hutton 2008). T his variant has been identified in 3/66378 of European chromosomes by the Exome Aggregation Consortium (ExAC; dbSNP rs104894317) . Although this variant has been seen in the general population, its frequency i s low enough to be consistent with a recessive carrier frequency. In summary, th is variant meets criteria to be classified as pathogenic for oculocutaneous albi nism type 1 in an autosomal recessive manner based upon its occurrence in affect ed individuals and low frequency in control populations.

Eurofins Ntd Llc (ga)
Classification: Pathogenic. Last evaluated: 2015-12-09. Review status: criteria provided, single submitter. Criteria: EGL Classification Definitions 2015. Collection method: clinical testing. Allele origin: germline. Observed: 1 variant allele, 1 heterozygote.

OMIM
Classification: Pathogenic for ALBINISM, OCULOCUTANEOUS, TYPE IA. Last evaluated: 1992-07-15. Review status: no assertion criteria provided. Collection method: literature only. Allele origin: germline. Not counted in ClinVar's aggregate classification.

Retina International
No classification provided. Review status: no classification provided. Collection method: not provided. Allele origin: unknown. Not counted in ClinVar's aggregate classification.

Literature cited by the submitters: PubMed 29345414 (cited by Labcorp Genetics (formerly Invitae), Labcorp and Women's Health and Genetics/Laboratory Corporation of America, LabCorp); PubMed 41428507 (cited by Laboratory of Genetic Epidemiology, Research Centre for Medical Genetics); PubMed 13680365 (cited by Laboratory for Molecular Medicine, Mass General Brigham Personalized Medicine and Eurofins Ntd Llc (ga)); PubMed 18463683 (cited by Laboratory for Molecular Medicine, Mass General Brigham Personalized Medicine and Eurofins Ntd Llc (ga)); PubMed 1642278 (cited by Eurofins Ntd Llc (ga) and OMIM).

NM_000372.5(TYR):c.1336G>A (p.Gly446Ser)

Gene: TYR (tyrosinase; plus strand). Cytogenetic location: 11q14.3.
Variant type: single nucleotide variant.
Coding change: c.1336G>A on transcript NM_000372.5 (MANE Select); coding-DNA position 1336, G replaced by A.
Protein change: p.Gly446Ser; replaces glycine 446 with serine.
Molecular consequence: missense variant.
Genome position (GRCh38, 1-based): chr11:89,284,924, G>A. VCF-style: chr11-89284924-G-A. GRCh37 (hg19) VCF-style: chr11-89018092-G-A.
Other names: short protein forms G446S.
Identifiers: ClinVar variation 3801 (VCV000003801.83), dbSNP rs104894317, ClinGen allele CA227525.